The following is an entry in ClinVar:

NM_000138.5(FBN1):c.5873G>A (p.Cys1958Tyr)

Gene: FBN1 (fibrillin 1; minus strand). Cytogenetic location: 15q21.1.
Variant type: single nucleotide variant.
Coding change: c.5873G>A on transcript NM_000138.5 (MANE Select); coding-DNA position 5873, G replaced by A.
Protein change: p.Cys1958Tyr; replaces cysteine 1958 with tyrosine.
Molecular consequence: missense variant.
Genome position (GRCh38, 1-based): chr15:48,445,420, C>T on the plus strand (G>A on the coding strand, the complement: FBN1 is on the minus strand). VCF-style: chr15-48445420-C-T. GRCh37 (hg19) VCF-style: chr15-48737617-C-T.
Other names: short protein forms C1958Y.
Identifiers: ClinVar variation 1699701 (VCV001699701.3), dbSNP rs2141249167, ClinGen allele CA392340014.

ClinVar aggregate classification (germline): Pathogenic (1 of 4 stars; one submission).

Submission:

GeneDx
Classification: Pathogenic. Last evaluated: 2023-05-31. Review status: criteria provided, single submitter. Criteria: GeneDx Variant Classification Process June 2021. Collection method: clinical testing. Allele origin: germline.
Comment: In silico analysis supports that this missense variant has a deleterious effect on protein structure/function; Affects a cysteine residue within a calcium-binding EGF-like domain of the FBN1 gene, which may affect disulfide bonding and is predicted to alter the structure and function of the protein; cysteine substitutions in the calcium-binding EGF-like domains represent the majority of pathogenic missense changes associated with FBN1-related disorders (Collod-Beroud et al., 2003); Not observed at significant frequency in large population cohorts (gnomAD); This variant is associated with the following publications: (PMID: 24941995, 21907952, 27611364, 26284228, 12938084)